The following is an entry in ClinVar:

ClinVar aggregate classification (germline): Uncertain significance. Review status: criteria provided, multiple submitters, no conflicts (2 of 4 stars). 5 submissions from 5 submitters: Uncertain significance (5). Last evaluated 2026-04-02.

Allele frequency attached by ClinVar (database versions not stated): gnomAD exomes 0.00008 and 0.00017; gnomAD 0.00012 and 0.00016; ExAC 0.00014; ESP Exome Variant Server 0.00015; TOPMed 0.00030; 1000 Genomes Project 30x 0.00078; 1000 Genomes Project 0.00080.
gnomAD v4.1: 147 of 1,611,694 alleles (0.0091%); highest among the groups gnomAD compares: Middle Eastern, 0.28%; 1 homozygote.

Submissions (5):

Women's Health and Genetics/Laboratory Corporation of America, LabCorp
Classification: Uncertain significance. Last evaluated: 2026-04-02. Review status: criteria provided, single submitter. Criteria: LabCorp Variant Classification Summary - May 2015. Collection method: clinical testing. Allele origin: germline.
Comment: Variant summary: RIPK1 c.127A>T (p.Ile43Phe) results in a non-conservative amino acid change in the encoded protein sequence. Algorithms developed to predict the effect of missense changes on protein structure and function are either unavailable or do not agree on the potential impact of this missense change. The variant allele was found at a frequency of 0.00017 in 250556 control chromosomes. This frequency is not significantly higher than estimated for disease-causing variants in RIPK1, allowing no conclusion about variant significance. To our knowledge, no occurrence of c.127A>T in individuals affected with RIPK1-related conditions and no experimental evidence demonstrating its impact on protein function have been reported. ClinVar contains an entry for this variant (Variation ID: 809859). Based on the evidence outlined above, the variant was classified as uncertain significance.

Labcorp Genetics (formerly Invitae), Labcorp
Classification: Uncertain significance. Last evaluated: 2025-12-30. Review status: criteria provided, single submitter. Criteria: Invitae Variant Classification Sherloc (09022015). Collection method: clinical testing. Allele origin: germline.
Comment: This sequence change replaces isoleucine, which is neutral and non-polar, with phenylalanine, which is neutral and non-polar, at codon 43 of the RIPK1 protein (p.Ile43Phe). This variant is present in population databases (rs184897325, gnomAD 0.04%). This variant has not been reported in the literature in individuals affected with RIPK1-related conditions. ClinVar contains an entry for this variant (Variation ID: 809859). An algorithm developed to predict the effect of missense changes on protein structure and function (PolyPhen-2) suggests that this variant is likely to be disruptive. In summary, the available evidence is currently insufficient to determine the role of this variant in disease. Therefore, it has been classified as a Variant of Uncertain Significance.

Mayo Clinic Laboratories, Mayo Clinic
Classification: Uncertain significance. Last evaluated: 2025-12-03. Review status: criteria provided, single submitter. Criteria: ACMG Guidelines, 2015. Collection method: clinical testing. Allele origin: germline. Observed: 1 variant allele.

Blueprint Genetics
Classification: Uncertain significance. Last evaluated: 2024-11-25. Review status: criteria provided, single submitter. Criteria: ACMG Guidelines, 2015. Collection method: clinical testing. Allele origin: germline.

CeGaT Center for Human Genetics Tuebingen
Classification: Uncertain significance. Last evaluated: 2018-09-01. Review status: criteria provided, single submitter. Criteria: CeGaT Center For Human Genetics Tuebingen Variant Classification Criteria Version 2. Collection method: clinical testing. Allele origin: germline. Affected: yes. Observed: 1 variant allele.

NM_001354930.2(RIPK1):c.127A>T (p.Ile43Phe)

Gene: RIPK1 (receptor interacting serine/threonine kinase 1; plus strand). Cytogenetic location: 6p25.2.
Variant type: single nucleotide variant.
Coding change: c.127A>T on transcript NM_001354930.2 (MANE Select); coding-DNA position 127, A replaced by T.
Protein change: p.Ile43Phe; replaces isoleucine 43 with phenylalanine.
Molecular consequence: missense variant. On other transcripts: 5 prime UTR variant (4).
Genome position (GRCh38, 1-based): chr6:3,076,950, A>T. VCF-style: chr6-3076950-A-T. GRCh37 (hg19) VCF-style: chr6-3077184-A-T.
Other names: p.Ile43Phe; c.-477A>T (NM_001317061.3, NM_001354932.2, NM_001354933.2 and 1 more transcripts); c.127A>T, p.Ile43Phe (NM_001354931.2, NM_003804.6); short protein forms I43F.
Identifiers: ClinVar variation 809859 (VCV000809859.49), dbSNP rs184897325, ClinGen allele CA3618070.
Genomic context (GRCh38, chr6:3,076,950, plus strand): 5'-CTGGACAGCGGAGGCTTTGGGAAGGTGTCTCTGTGTTTCCACAGAACCCAGGGACTCATG[A>T]TCATGAAAACAGTGTACAAGGGGCCCAACTGCATTGAGTGAGTAGGGAGCAGGGGTGGGT-3'
Protein context (NP_001341859.1, residues 33-53): LCFHRTQGLM[Ile43Phe]MKTVYKGPNC